The following is an entry in ClinVar:

NM_000784.4(CYP27A1):c.1232T>C (p.Ile411Thr)

Gene: CYP27A1 (cytochrome P450 family 27 subfamily A member 1; plus strand). Cytogenetic location: 2q35.
Variant type: single nucleotide variant.
Coding change: c.1232T>C on transcript NM_000784.4 (MANE Select); coding-DNA position 1232, T replaced by C.
Protein change: p.Ile411Thr; replaces isoleucine 411 with threonine.
Molecular consequence: missense variant.
Genome position (GRCh38, 1-based): chr2:218,814,427, T>C. VCF-style: chr2-218814427-T-C. GRCh37 (hg19) VCF-style: chr2-219679150-T-C.
Other names: short protein forms I411T.
Identifiers: ClinVar variation 1929072 (VCV001929072.2), dbSNP rs1943764323, ClinGen allele CA350593282.

ClinVar aggregate classification (germline): Uncertain significance (1 of 4 stars; one submission).

Conditions:
Cholestanol storage disease (CTX). Also called: CEREBRAL CHOLESTERINOSIS; CTX: Cerebrotendinous xanthomatosis; Cerebrotendinous Xanthomatosis. Identifiers: Orphanet 909, MedGen C0238052, MONDO:0008948, OMIM 213700.

Allele frequency attached by ClinVar (database versions not stated): gnomAD 0.00001; TOPMed 0.00001.
gnomAD v4.1: 3 of 1,614,086 alleles (0.00019%); highest among the groups gnomAD compares: Non-Finnish European, 0.00017%; no homozygotes.

Submission:

Labcorp Genetics (formerly Invitae), Labcorp
Classification: Uncertain significance for Cholestanol storage disease. Last evaluated: 2022-03-04. Review status: criteria provided, single submitter. Criteria: Invitae Variant Classification Sherloc (09022015). Collection method: clinical testing. Allele origin: germline.
Comment: This sequence change replaces isoleucine, which is neutral and non-polar, with threonine, which is neutral and polar, at codon 411 of the CYP27A1 protein (p.Ile411Thr). This variant is not present in population databases (gnomAD no frequency). This variant has not been reported in the literature in individuals affected with CYP27A1-related conditions. Advanced modeling of protein sequence and biophysical properties (such as structural, functional, and spatial information, amino acid conservation, physicochemical variation, residue mobility, and thermodynamic stability) performed at Invitae indicates that this missense variant is not expected to disrupt CYP27A1 protein function. In summary, the available evidence is currently insufficient to determine the role of this variant in disease. Therefore, it has been classified as a Variant of Uncertain Significance.